The following is an entry in ClinVar:

ClinVar aggregate classification (germline): Uncertain significance (1 of 4 stars; one submission).

gnomAD v4.1: 1 of 1,506,372 alleles (0.000066%); highest among the groups gnomAD compares: Non-Finnish European, 0.000089%; no homozygotes.

Submission:

Labcorp Genetics (formerly Invitae), Labcorp
Classification: Uncertain significance. Last evaluated: 2024-12-22. Review status: criteria provided, single submitter. Criteria: Invitae Variant Classification Sherloc (09022015). Collection method: clinical testing. Allele origin: germline.
Comment: This sequence change replaces isoleucine, which is neutral and non-polar, with leucine, which is neutral and non-polar, at codon 705 of the KCNH1 protein (p.Ile705Leu). This variant is not present in population databases (gnomAD no frequency). This variant has not been reported in the literature in individuals affected with KCNH1-related conditions. An algorithm developed to predict the effect of missense changes on protein structure and function (PolyPhen-2) suggests that this variant is likely to be tolerated. In summary, the available evidence is currently insufficient to determine the role of this variant in disease. Therefore, it has been classified as a Variant of Uncertain Significance.

NM_172362.3(KCNH1):c.2113A>C (p.Ile705Leu)

Gene: KCNH1 (potassium voltage-gated channel subfamily H member 1; minus strand). Cytogenetic location: 1q32.2.
Variant type: single nucleotide variant.
Coding change: c.2113A>C on transcript NM_172362.3 (MANE Select); coding-DNA position 2113, A replaced by C.
Protein change: p.Ile705Leu; replaces isoleucine 705 with leucine.
Molecular consequence: missense variant.
Genome position (GRCh38, 1-based): chr1:210,684,138, T>G on the plus strand (A>C on the coding strand, the complement: KCNH1 is on the minus strand). VCF-style: chr1-210684138-T-G. GRCh37 (hg19) VCF-style: chr1-210857480-T-G.
Other names: c.2032A>C, p.Ile678Leu (NM_002238.4); short protein forms I705L, I678L.
Identifiers: ClinVar variation 3727754 (VCV003727754.2).